The following is an entry in ClinVar:

NM_000143.4(FH):c.790G>A (p.Ala264Thr)

Gene: FH (fumarate hydratase; minus strand). Cytogenetic location: 1q43.
Variant type: single nucleotide variant.
Coding change: c.790G>A on transcript NM_000143.4 (MANE Select); coding-DNA position 790, G replaced by A.
Protein change: p.Ala264Thr; replaces alanine 264 with threonine.
Molecular consequence: missense variant.
Genome position (GRCh38, 1-based): chr1:241,506,117, C>T on the plus strand (G>A on the coding strand, the complement: FH is on the minus strand). VCF-style: chr1-241506117-C-T. GRCh37 (hg19) VCF-style: chr1-241669417-C-T.
Other names: short protein forms A264T.
Identifiers: ClinVar variation 3278729 (VCV003278729.2).

ClinVar aggregate classification (germline): Uncertain significance. Review status: criteria provided, multiple submitters, no conflicts (2 of 4 stars). 2 submissions from 2 submitters: Uncertain significance (2). Last evaluated 2025-10-21.

Conditions:
Hereditary cancer-predisposing syndrome. Also called: Tumor predisposition; Hereditary Cancer Syndrome; Hereditary neoplastic syndrome; Neoplastic Syndromes, Hereditary. Identifiers: Orphanet 140162, MedGen C0027672, MeSH D009386, MONDO:0015356.

gnomAD v4.1: 1 of 1,613,886 alleles (0.000062%); highest among the groups gnomAD compares: South Asian, 0.0011%; no homozygotes.

Submissions (2):

Labcorp Genetics (formerly Invitae), Labcorp
Classification: Uncertain significance. Last evaluated: 2025-10-21. Review status: criteria provided, single submitter. Criteria: Invitae Variant Classification Sherloc (09022015). Collection method: clinical testing. Allele origin: germline.
Comment: This sequence change replaces alanine, which is neutral and non-polar, with threonine, which is neutral and polar, at codon 264 of the FH protein (p.Ala264Thr). This variant is not present in population databases (gnomAD no frequency). This variant has not been reported in the literature in individuals affected with FH-related conditions. ClinVar contains an entry for this variant (Variation ID: 3278729). Invitae Evidence Modeling of protein sequence and biophysical properties (such as structural, functional, and spatial information, amino acid conservation, physicochemical variation, residue mobility, and thermodynamic stability) indicates that this missense variant is not expected to disrupt FH protein function with a negative predictive value of 80%. In summary, the available evidence is currently insufficient to determine the role of this variant in disease. Therefore, it has been classified as a Variant of Uncertain Significance.

Ambry Genetics
Classification: Uncertain significance for Hereditary cancer-predisposing syndrome. Last evaluated: 2024-03-27. Review status: criteria provided, single submitter. Criteria: Ambry Variant Classification Scheme 2023. Collection method: clinical testing. Allele origin: germline.
Comment: The p.A264T variant (also known as c.790G>A), located in coding exon 6 of the FH gene, results from a G to A substitution at nucleotide position 790. The alanine at codon 264 is replaced by threonine, an amino acid with similar properties. This amino acid position is conserved. In addition, the in silico prediction for this alteration is inconclusive. Based on the available evidence, the clinical significance of this alteration remains unclear.